The following is an entry in ClinVar:

ClinVar aggregate classification (germline): Uncertain significance. Review status: criteria provided, multiple submitters, no conflicts (2 of 4 stars). 4 submissions from 4 submitters: Uncertain significance (4). Last evaluated 2025-12-11.

Conditions:
SETD5-related disorder. Also called: SETD5-related disorders; SETD5-related condition.
Inborn genetic diseases. Identifiers: MedGen C0950123, MeSH D030342.

Allele frequency attached by ClinVar (database versions not stated): gnomAD 0.00001.
gnomAD v4.1: 3 of 1,602,938 alleles (0.00019%); highest among the groups gnomAD compares: Admixed American, 0.0034%; no homozygotes.

Submissions (4):

Ambry Genetics
Classification: Uncertain significance for Inborn genetic diseases. Last evaluated: 2025-12-11. Review status: criteria provided, single submitter. Criteria: Ambry Variant Classification Scheme 2023. Collection method: clinical testing. Allele origin: germline.

Labcorp Genetics (formerly Invitae), Labcorp
Classification: Uncertain significance. Last evaluated: 2025-10-27. Review status: criteria provided, single submitter. Criteria: Invitae Variant Classification Sherloc (09022015). Collection method: clinical testing. Allele origin: germline.
Comment: This sequence change replaces histidine, which is basic and polar, with proline, which is neutral and non-polar, at codon 479 of the SETD5 protein (p.His479Pro). This variant is not present in population databases (gnomAD no frequency). This variant has not been reported in the literature in individuals affected with SETD5-related conditions. ClinVar contains an entry for this variant (Variation ID: 1803514). Invitae Evidence Modeling of protein sequence and biophysical properties (such as structural, functional, and spatial information, amino acid conservation, physicochemical variation, residue mobility, and thermodynamic stability) indicates that this missense variant is not expected to disrupt SETD5 protein function with a negative predictive value of 80%. In summary, the available evidence is currently insufficient to determine the role of this variant in disease. Therefore, it has been classified as a Variant of Uncertain Significance.

PreventionGenetics, part of Exact Sciences
Classification: Uncertain significance for SETD5-related condition. Last evaluated: 2025-08-07. Review status: criteria provided, single submitter. Criteria: ACMG Guidelines, 2015. Collection method: clinical testing. Allele origin: germline.
Comment: The SETD5 c.1436A>C variant is predicted to result in the amino acid substitution p.His479Pro. To our knowledge, this variant has not been reported in the literature or in a large population database (gnomAD), indicating this variant is rare. At this time, the clinical significance of this variant is uncertain due to the absence of conclusive functional and genetic evidence.

GeneDx
Classification: Uncertain significance. Last evaluated: 2022-11-21. Review status: criteria provided, single submitter. Criteria: GeneDx Variant Classification Process June 2021. Collection method: clinical testing. Allele origin: germline. Affected: yes.
Comment: Has not been previously published as pathogenic or benign to our knowledge; In silico analysis supports that this missense variant does not alter protein structure/function; Not observed at significant frequency in large population cohorts (gnomAD)

NM_001080517.3(SETD5):c.1436A>C (p.His479Pro)

Gene: SETD5 (SET domain containing 5; plus strand). Cytogenetic location: 3p25.3.
Variant type: single nucleotide variant.
Coding change: c.1436A>C on transcript NM_001080517.3 (MANE Select); coding-DNA position 1436, A replaced by C.
Protein change: p.His479Pro; replaces histidine 479 with proline.
Molecular consequence: missense variant.
Genome position (GRCh38, 1-based): chr3:9,445,296, A>C. VCF-style: chr3-9445296-A-C. GRCh37 (hg19) VCF-style: chr3-9486980-A-C.
Other names: c.1142A>C, p.His381Pro (NM_001292043.2, NM_001349451.2); c.1436A>C (NM_001080517.2); short protein forms H381P, H479P.
Identifiers: ClinVar variation 1803514 (VCV001803514.5), dbSNP rs1025258082, ClinGen allele CA69961520.
Genomic context (GRCh38, chr3:9,445,296, plus strand): 5'-AGGAGAATAATGACCAGCAATCACAAGAAGTTCCAGAAAAAGTAACTGTATCCAGTGATC[A>C]TGAGGTAATCGCCCCTGGTCAAATGATGATGCTATGGCATCAATCCTCCAAAGGAAGAGG-3'
Protein context (NP_001073986.1, residues 469-489): VPEKVTVSSD[His479Pro]EEVDNPEEKP